The following is an entry in ClinVar:

NM_001386393.1(PANK2):c.-2C>T

Genes: PANK2 (pantothenate kinase 2; plus strand), LOC130065345 (ATAC-STARR-seq lymphoblastoid silent region 12635; plus strand). Cytogenetic location: 20p13.
Variant type: single nucleotide variant.
Coding change: c.-2C>T on transcript NM_001386393.1 (MANE Select); 2 bases upstream of the start codon, C replaced by T.
Molecular consequence: 5 prime UTR variant. On other transcripts: missense variant (2), non-coding transcript variant (1), intron variant (1).
Genome position (GRCh38, 1-based): chr20:3,889,429, C>T. VCF-style: chr20-3889429-C-T. GRCh37 (hg19) VCF-style: chr20-3870076-C-T.
Other names: c.-713C>T (NM_001324191.2); c.329C>T, p.Thr110Met (NM_001324192.1, NM_153638.4); c.-246+525C>T (NM_024960.6); short protein forms T110M.
Identifiers: ClinVar variation 1305961 (VCV001305961.3), dbSNP rs776588010, ClinGen allele CA9750549.

ClinVar aggregate classification (germline): Uncertain significance. Review status: criteria provided, multiple submitters, no conflicts (2 of 4 stars). 2 submissions from 2 submitters: Uncertain significance (2). Last evaluated 2025-10-22.

Conditions:
Inborn genetic diseases. Identifiers: MedGen C0950123, MeSH D030342.

Allele frequency attached by ClinVar (database versions not stated): gnomAD 0.00001; TOPMed 0.00001; ExAC 0.00004.
gnomAD v4.1: 14 of 1,564,510 alleles (0.00089%); highest among the groups gnomAD compares: Admixed American, 0.0019%; no homozygotes.

Submissions (2):

Ambry Genetics
Classification: Uncertain significance for Inborn genetic diseases. Last evaluated: 2025-10-22. Review status: criteria provided, single submitter. Criteria: Ambry Variant Classification Scheme 2023. Collection method: clinical testing. Allele origin: germline.

GeneDx
Classification: Uncertain significance. Last evaluated: 2019-02-25. Review status: criteria provided, single submitter. Criteria: GeneDx Variant Classification Process June 2021. Collection method: clinical testing. Allele origin: germline. Affected: yes.
Comment: In silico analysis, which includes protein predictors and evolutionary conservation, supports that this variant does not alter protein structure/function; Has not been previously published as pathogenic or benign to our knowledge